The following is an entry in ClinVar:

NM_014363.6(SACS):c.8022T>G (p.Phe2674Leu)

Gene: SACS (sacsin molecular chaperone; minus strand). Cytogenetic location: 13q12.12.
Variant type: single nucleotide variant.
Coding change: c.8022T>G on transcript NM_014363.6 (MANE Select); coding-DNA position 8022, T replaced by G.
Protein change: p.Phe2674Leu; replaces phenylalanine 2674 with leucine.
Molecular consequence: missense variant.
Genome position (GRCh38, 1-based): chr13:23,335,854, A>C on the plus strand (T>G on the coding strand, the complement: SACS is on the minus strand). VCF-style: chr13-23335854-A-C. GRCh37 (hg19) VCF-style: chr13-23909993-A-C.
Other names: c.7581T>G, p.Phe2527Leu (NM_001278055.2); short protein forms F2674L, F2527L.
Identifiers: ClinVar variation 311521 (VCV000311521.17), dbSNP rs34928783, ClinGen allele CA6910830.

ClinVar aggregate classification (germline): Conflicting classifications of pathogenicity. Review status: criteria provided, conflicting classifications (1 of 4 stars). 6 submissions from 6 submitters: Uncertain significance (3); Likely benign (2). 1 of the submissions does not count toward it. Last evaluated 2026-06-29.

Conditions:
SACS-related disorder. Also called: SACS-related condition.
Charlevoix-Saguenay spastic ataxia (SACS). Also called: SPASTIC ATAXIA 6, AUTOSOMAL RECESSIVE; AUTOSOMAL RECESSIVE SPASTIC ATAXIA OF CHARLEVOIX-SAGUENAY; Spastic ataxia of Charlevoix-Saguenay. Identifiers: Orphanet 98, MedGen C1849140, MONDO:0010041, OMIM 270550.
Spastic paraplegia. Identifiers: MedGen C0037772, HP:0001258.

Allele frequency attached by ClinVar (database versions not stated): TOPMed 0.00017.
gnomAD v4.1: 40 of 1,613,902 alleles (0.0025%); highest among the groups gnomAD compares: East Asian, 0.089%; no homozygotes.

Submissions (6):

PreventionGenetics, part of Exact Sciences
Classification: Likely benign for SACS-related condition. Last evaluated: 2026-06-29. Review status: criteria provided, single submitter. Criteria: ACMG Guidelines, 2015. Collection method: clinical testing. Allele origin: germline.
Comment: This variant is classified as likely benign based on ACMG/AMP sequence variant interpretation guidelines (Richards et al. 2015 PMID: 25741868, with internal and published modifications).

Labcorp Genetics (formerly Invitae), Labcorp
Classification: Likely benign for Spastic paraplegia. Last evaluated: 2025-10-11. Review status: criteria provided, single submitter. Criteria: Invitae Variant Classification Sherloc (09022015). Collection method: clinical testing. Allele origin: germline.

Genome-Nilou Lab
Classification: Uncertain significance for Charlevoix-Saguenay spastic ataxia. Last evaluated: 2021-09-05. Review status: criteria provided, single submitter. Criteria: ACMG Guidelines, 2015. Collection method: clinical testing. Allele origin: germline. Affected: no.

Illumina Laboratory Services, Illumina
Classification: Uncertain significance for Charlevoix-Saguenay spastic ataxia. Last evaluated: 2018-01-13. Review status: criteria provided, single submitter. Criteria: ICSL Variant Classification Criteria 13 December 2019. Collection method: clinical testing. Allele origin: germline.

Athena Diagnostics
Classification: Uncertain significance. Last evaluated: 2016-08-22. Review status: criteria provided, single submitter. Criteria: Athena Diagnostics Criteria. Collection method: clinical testing. Allele origin: germline.

Natera, Inc.
Classification: Uncertain significance for Charlevoix-Saguenay type spastic ataxia. Last evaluated: 2020-09-16. Review status: no assertion criteria provided. Collection method: clinical testing. Allele origin: germline. Not counted in ClinVar's aggregate classification.